The following is an entry in ClinVar:

ClinVar aggregate classification (germline): Likely pathogenic (1 of 4 stars; one submission).

Conditions:
Dystonia 12 (DYT12). Also called: DYT-ATP1A3; Rapid-Onset Dystonia-Parkinsonism (RDP). Identifiers: Orphanet 71517, MedGen C1868681, MONDO:0007496, OMIM 128235.

Submission:

Labcorp Genetics (formerly Invitae), Labcorp
Classification: Likely pathogenic for Dystonia 12. Last evaluated: 2021-11-01. Review status: criteria provided, single submitter. Criteria: Invitae Variant Classification Sherloc (09022015). Collection method: clinical testing. Allele origin: germline.
Comment: In summary, the currently available evidence indicates that the variant is pathogenic, but additional data are needed to prove that conclusively. Therefore, this variant has been classified as Likely Pathogenic. Algorithms developed to predict the effect of sequence changes on RNA splicing suggest that this variant may disrupt the consensus splice site. ClinVar contains an entry for this variant (Variation ID: 1047606). Disruption of this splice site has been observed in individual(s) with clinical features of ATP1A3-related conditions (Invitae). This variant is not present in population databases (gnomAD no frequency). This sequence change affects a donor splice site in intron 7 of the ATP1A3 gene. It is expected to disrupt RNA splicing. Variants that disrupt the donor or acceptor splice site typically lead to a loss of protein function (PMID: 16199547), and loss-of-function variants in ATP1A3 are known to be pathogenic (PMID: 24983657, 24631656).

Literature cited by the submitters: PubMed 16199547; PubMed 24983657; PubMed 24631656.

NM_152296.5(ATP1A3):c.724+1G>T

Gene: ATP1A3 (ATPase Na+/K+ transporting subunit alpha 3; minus strand). Cytogenetic location: 19q13.2.
Variant type: single nucleotide variant.
Coding change: c.724+1G>T on transcript NM_152296.5 (MANE Select); the canonical splice donor site of the intron after coding-DNA position 724, G replaced by T.
Molecular consequence: splice donor variant.
Genome position (GRCh38, 1-based): chr19:41,985,305, C>A on the plus strand (G>T on the coding strand, the complement: ATP1A3 is on the minus strand). VCF-style: chr19-41985305-C-A. GRCh37 (hg19) VCF-style: chr19-42489457-C-A.
Other names: c.763+1G>T (NM_001256214.2); c.757+1G>T (NM_001256213.2).
Identifiers: ClinVar variation 1047606 (VCV001047606.8), dbSNP rs2075276177, ClinGen allele CA406053299.